The following is an entry in ClinVar:

NM_018685.5(ANLN):c.2812A>G (p.Asn938Asp)

Gene: ANLN (anillin, actin binding protein; plus strand). Cytogenetic location: 7p14.2.
Variant type: single nucleotide variant.
Coding change: c.2812A>G on transcript NM_018685.5 (MANE Select); coding-DNA position 2812, A replaced by G.
Protein change: p.Asn938Asp; replaces asparagine 938 with aspartic acid.
Molecular consequence: missense variant.
Genome position (GRCh38, 1-based): chr7:36,426,957, A>G. VCF-style: chr7-36426957-A-G. GRCh37 (hg19) VCF-style: chr7-36466566-A-G.
Other names: c.2701A>G, p.Asn901Asp (NM_001284301.3); c.2698A>G, p.Asn900Asp (NM_001284302.3); short protein forms N938D, N901D, N900D.
Identifiers: ClinVar variation 3666127 (VCV003666127.2).

ClinVar aggregate classification (germline): Uncertain significance (1 of 4 stars; one submission).

Submission:

Labcorp Genetics (formerly Invitae), Labcorp
Classification: Uncertain significance. Last evaluated: 2025-01-29. Review status: criteria provided, single submitter. Criteria: Invitae Variant Classification Sherloc (09022015). Collection method: clinical testing. Allele origin: germline.
Comment: This sequence change replaces asparagine, which is neutral and polar, with aspartic acid, which is acidic and polar, at codon 938 of the ANLN protein (p.Asn938Asp). This variant is not present in population databases (gnomAD no frequency). This variant has not been reported in the literature in individuals affected with ANLN-related conditions. Invitae Evidence Modeling of protein sequence and biophysical properties (such as structural, functional, and spatial information, amino acid conservation, physicochemical variation, residue mobility, and thermodynamic stability) has been performed for this missense variant. However, the output from this modeling did not meet the statistical confidence thresholds required to predict the impact of this variant on ANLN protein function. In summary, the available evidence is currently insufficient to determine the role of this variant in disease. Therefore, it has been classified as a Variant of Uncertain Significance.